The following is an entry in ClinVar:

NM_001258392.3(CLPB):c.733C>G (p.Leu245Val)

Gene: CLPB (ClpB family mitochondrial disaggregase; minus strand). Cytogenetic location: 11q13.4.
Variant type: single nucleotide variant.
Coding change: c.733C>G on transcript NM_001258392.3 (MANE Select); coding-DNA position 733, C replaced by G.
Protein change: p.Leu245Val; replaces leucine 245 with valine.
Molecular consequence: missense variant.
Genome position (GRCh38, 1-based): chr11:72,358,922, G>C on the plus strand (C>G on the coding strand, the complement: CLPB is on the minus strand). VCF-style: chr11-72358922-G-C. GRCh37 (hg19) VCF-style: chr11-72069966-G-C.
Other names: c.646C>G, p.Leu216Val (NM_001258393.3); c.688C>G, p.Leu230Val (NM_001258394.3); c.823C>G, p.Leu275Val (NM_030813.6); short protein forms L230V, L245V, L216V, L275V.
Identifiers: ClinVar variation 2812994 (VCV002812994.3), dbSNP rs752382011, ClinGen allele CA6171418.

ClinVar aggregate classification (germline): Uncertain significance (1 of 4 stars; one submission).

Conditions:
3-methylglutaconic aciduria, type VIIB (MGCA7B). Also called: CLPB Deficiency; 3-methylglutaconic aciduria with cataracts, neurologic involvement and neutropenia; 3-methylglutaconic aciduria, type VII, with cataracts, neurologic involvement and neutropenia. Identifiers: Orphanet 445038, MedGen C5676893, MONDO:0014561, OMIM 616271.

Allele frequency attached by ClinVar (database versions not stated): gnomAD exomes below 0.00001; ExAC 0.00001.
gnomAD v4.1: 1 of 1,611,134 alleles (0.000062%); highest among the groups gnomAD compares: East Asian, 0.0022%; no homozygotes.

Submission:

Labcorp Genetics (formerly Invitae), Labcorp
Classification: Uncertain significance for 3-methylglutaconic aciduria, type VIIB. Last evaluated: 2023-07-08. Review status: criteria provided, single submitter. Criteria: Invitae Variant Classification Sherloc (09022015). Collection method: clinical testing. Allele origin: germline.
Comment: In summary, the available evidence is currently insufficient to determine the role of this variant in disease. Therefore, it has been classified as a Variant of Uncertain Significance. An algorithm developed to predict the effect of missense changes on protein structure and function (PolyPhen-2) suggests that this variant is likely to be disruptive. This variant has not been reported in the literature in individuals affected with CLPB-related conditions. This variant is present in population databases (rs752382011, gnomAD 0.006%). This sequence change replaces leucine, which is neutral and non-polar, with valine, which is neutral and non-polar, at codon 275 of the CLPB protein (p.Leu275Val).